The following is an entry in ClinVar:

ClinVar aggregate classification (germline): Uncertain significance (1 of 4 stars; one submission).

Submission:

Labcorp Genetics (formerly Invitae), Labcorp
Classification: Uncertain significance. Last evaluated: 2020-01-18. Review status: criteria provided, single submitter. Criteria: Invitae Variant Classification Sherloc (09022015). Collection method: clinical testing. Allele origin: germline.
Comment: This sequence change replaces arginine with glycine at codon 9 of the ROR2 protein (p.Arg9Gly). The arginine residue is weakly conserved and there is a moderate physicochemical difference between arginine and glycine. In summary, the available evidence is currently insufficient to determine the role of this variant in disease. Therefore, it has been classified as a Variant of Uncertain Significance. The frequency data for this variant in the population databases is considered unreliable, as metrics indicate insufficient coverage at this position in the ExAC database. This variant has not been reported in the literature in individuals with ROR2-related conditions. Algorithms developed to predict the effect of missense changes on protein structure and function (SIFT, PolyPhen-2, Align-GVGD) all suggest that this variant is likely to be tolerated, but these predictions have not been confirmed by published functional studies and their clinical significance is uncertain.

NM_004560.4(ROR2):c.25C>G (p.Arg9Gly)

Gene: ROR2 (receptor tyrosine kinase like orphan receptor 2; minus strand). Cytogenetic location: 9q22.31.
Variant type: single nucleotide variant.
Coding change: c.25C>G on transcript NM_004560.4 (MANE Select); coding-DNA position 25, C replaced by G.
Protein change: p.Arg9Gly; replaces arginine 9 with glycine.
Molecular consequence: missense variant.
Genome position (GRCh38, 1-based): chr9:91,949,939, G>C on the plus strand (C>G on the coding strand, the complement: ROR2 is on the minus strand). VCF-style: chr9-91949939-G-C. GRCh37 (hg19) VCF-style: chr9-94712221-G-C.
Other names: c.25C>G, p.Arg9Gly (NM_001318204.2); short protein forms R9G.
Identifiers: ClinVar variation 1024123 (VCV001024123.9), dbSNP rs1832129314, ClinGen allele CA373841576.